The following is an entry in ClinVar:

NM_001253697.2(ERBIN):c.1351G>A (p.Glu451Lys)

Gene: ERBIN (erbb2 interacting protein; plus strand). Cytogenetic location: 5q12.3.
Variant type: single nucleotide variant.
Coding change: c.1351G>A on transcript NM_001253697.2 (MANE Select); coding-DNA position 1351, G replaced by A.
Protein change: p.Glu451Lys; replaces glutamic acid 451 with lysine.
Molecular consequence: missense variant.
Genome position (GRCh38, 1-based): chr5:66,043,121, G>A. VCF-style: chr5-66043121-G-A. GRCh37 (hg19) VCF-style: chr5-65338949-G-A.
Other names: c.1351G>A, p.Glu451Lys (NM_001006600.3, NM_001253698.2, NM_001253699.2 and 2 more transcripts); short protein forms E451K.
Identifiers: ClinVar variation 2827351 (VCV002827351.3), dbSNP rs2546775390, ClinGen allele CA359976271.
Genomic context (GRCh38, chr5:66,043,121, plus strand): 5'-TTTTACTTTTCTCTAGTTATGTTTATATCAGATAATGAAAGTTTTAACCCTTCATTGTGG[G>A]AGGAACAGAGGAAACAGCGGGCTCAAGTTGCATTTGAATGTGATGAAGACAAAGATGAAA-3'
Protein context (NP_001240626.1, residues 441-461): DNESFNPSLW[Glu451Lys]EQRKQRAQVA

ClinVar aggregate classification (germline): Uncertain significance (1 of 4 stars; one submission).

Submission:

Labcorp Genetics (formerly Invitae), Labcorp
Classification: Uncertain significance. Last evaluated: 2023-07-31. Review status: criteria provided, single submitter. Criteria: Invitae Variant Classification Sherloc (09022015). Collection method: clinical testing. Allele origin: germline.
Comment: This sequence change replaces glutamic acid, which is acidic and polar, with lysine, which is basic and polar, at codon 451 of the ERBIN protein (p.Glu451Lys). This variant is not present in population databases (gnomAD no frequency). This variant has not been reported in the literature in individuals affected with ERBIN-related conditions. An algorithm developed to predict the effect of missense changes on protein structure and function (PolyPhen-2) suggests that this variant is likely to be disruptive. Algorithms developed to predict the effect of sequence changes on RNA splicing suggest that this variant may create or strengthen a splice site. In summary, the available evidence is currently insufficient to determine the role of this variant in disease. Therefore, it has been classified as a Variant of Uncertain Significance.